The following is an entry in ClinVar:

NM_058216.3(RAD51C):c.-24C>T

Gene: RAD51C (RAD51 paralog C; plus strand). Cytogenetic location: 17q22.
Variant type: single nucleotide variant.
Coding change: c.-24C>T on transcript NM_058216.3 (MANE Select); 24 bases upstream of the start codon, C replaced by T.
Molecular consequence: 5 prime UTR variant. On other transcripts: non-coding transcript variant (2).
Genome position (GRCh38, 1-based): chr17:58,692,620, C>T. VCF-style: chr17-58692620-C-T. GRCh37 (hg19) VCF-style: chr17-56769981-C-T.
Other names: c.-24C>T (NM_002876.4).
Identifiers: ClinVar variation 511163 (VCV000511163.1), dbSNP rs181444396, ClinGen allele CA627144491.

ClinVar aggregate classification (germline): Likely benign (1 of 4 stars; one submission).

gnomAD v4.1: 3 of 1,613,266 alleles (0.00019%); highest among the groups gnomAD compares: Non-Finnish European, 0.00025%; no homozygotes.

Submission:

GeneDx
Classification: Likely benign. Last evaluated: 2017-07-28. Review status: criteria provided, single submitter. Criteria: GeneDx Variant Classification (06012015). Collection method: clinical testing. Allele origin: germline. Affected: yes.
Comment: This variant is considered likely benign or benign based on one or more of the following criteria: it is a conservative change, it occurs at a poorly conserved position in the protein, it is predicted to be benign by multiple in silico algorithms, and/or has population frequency not consistent with disease.